The following is an entry in ClinVar:

ClinVar aggregate classification (germline): Uncertain significance (1 of 4 stars; one submission).

Conditions:
Inborn genetic diseases. Identifiers: MedGen C0950123, MeSH D030342.

Submission:

Ambry Genetics
Classification: Uncertain significance for Inborn genetic diseases. Last evaluated: 2017-06-13. Review status: criteria provided, single submitter. Criteria: Ambry Variant Classification Scheme 2023. Collection method: clinical testing. Allele origin: germline.
Comment: The p.P1705L variant (also known as c.5114C>T), located in coding exon 1 of the RAI1 gene, results from a C to T substitution at nucleotide position 5114. The proline at codon 1705 is replaced by leucine, an amino acid with similar properties. This amino acid position is highly conserved in available vertebrate species. In addition, the in silico prediction for this alteration is inconclusive. Since supporting evidence is limited at this time, the clinical significance of this alteration remains unclear.

NM_030665.4(RAI1):c.5114C>T (p.Pro1705Leu)

Gene: RAI1 (retinoic acid induced 1; plus strand). Cytogenetic location: 17p11.2.
Variant type: single nucleotide variant.
Coding change: c.5114C>T on transcript NM_030665.4 (MANE Select); coding-DNA position 5114, C replaced by T.
Protein change: p.Pro1705Leu; replaces proline 1705 with leucine.
Molecular consequence: missense variant.
Genome position (GRCh38, 1-based): chr17:17,798,062, C>T. VCF-style: chr17-17798062-C-T. GRCh37 (hg19) VCF-style: chr17-17701376-C-T.
Other names: short protein forms P1705L.
Identifiers: ClinVar variation 1745428 (VCV001745428.2), dbSNP rs2543624453, ClinGen allele CA398558367.